The following is an entry in ClinVar:

ClinVar aggregate classification (germline): Pathogenic (1 of 4 stars; one submission).

Conditions:
Hereditary cancer-predisposing syndrome. Also called: Tumor predisposition; Hereditary Cancer Syndrome; Neoplastic Syndromes, Hereditary; Hereditary neoplastic syndrome. Identifiers: Orphanet 140162, MedGen C0027672, MeSH D009386, MONDO:0015356.

Submission:

Ambry Genetics
Classification: Pathogenic for Hereditary cancer-predisposing syndrome. Last evaluated: 2018-09-22. Review status: criteria provided, single submitter. Criteria: Ambry Variant Classification Scheme 2023. Collection method: clinical testing. Allele origin: germline.
Comment: The c.2831delT pathogenic mutation, located in coding exon 4 of the MSH6 gene, results from a deletion of one nucleotide at nucleotide position 2831, causing a translational frameshift with a predicted alternate stop codon (p.I944Kfs*12). This alteration is expected to result in loss of function by premature protein truncation or nonsense-mediated mRNA decay. As such, this alteration is interpreted as a disease-causing mutation.

NM_000179.3(MSH6):c.2831del (p.Ile944fs)

Gene: MSH6 (mutS homolog 6; plus strand). Cytogenetic location: 2p16.3.
Variant type: Deletion.
Coding change: c.2831del on transcript NM_000179.3 (MANE Select); coding-DNA position 2831, one base deleted (T; older notation c.2831delT).
Protein change: p.Ile944fs; shifts the reading frame from isoleucine 944.
Molecular consequence: frameshift variant.
Genome position (GRCh38, 1-based): chr2:47,800,814, T deleted. VCF-style (leftmost placement, unchanged base first): chr2-47800813-AT-A. GRCh37 (hg19) VCF-style: chr2-48027952-AT-A.
Other names: c.2441del, p.Ile814fs (NM_001281492.2); c.1925del, p.Ile642fs (NM_001281493.2, NM_001281494.2); c.2927delT, p.Ile976Lysfs (NM_001406795.1, NM_001406802.1); c.2831delT, p.Ile944Lysfs (NM_001406796.1, NM_001406798.1, NM_001406800.1 and 2 more transcripts); c.2534delT, p.Ile845Lysfs (NM_001406797.1, NM_001406801.1, NM_001406805.1 and 10 more transcripts); c.2306delT, p.Ile769Lysfs (NM_001406799.1, NM_001406806.1, NM_001406807.1); c.2753delT, p.Ile918Lysfs (NM_001406804.1); c.1925delT, p.Ile642Lysfs (NM_001406811.1, NM_001406812.1, NM_001406814.1 and 4 more transcripts); and 3 more; short protein forms I642fs, I814fs, I944fs.
Identifiers: ClinVar variation 1796598 (VCV001796598.2), dbSNP rs2530696046, ClinGen allele CA2580068081.